The following is an entry in ClinVar:

NM_001375808.2(LPIN2):c.1793+260A>G

Gene: LPIN2 (lipin 2; minus strand). Cytogenetic location: 18p11.31.
Variant type: single nucleotide variant.
Coding change: c.1793+260A>G on transcript NM_001375808.2 (MANE Select); 260 bases into the intron after coding-DNA position 1793, A replaced by G.
Molecular consequence: intron variant.
Genome position (GRCh38, 1-based): chr18:2,926,463, T>C on the plus strand (A>G on the coding strand, the complement: LPIN2 is on the minus strand). VCF-style: chr18-2926463-T-C. GRCh37 (hg19) VCF-style: chr18-2926461-T-C.
Other names: c.1793+260A>G (NM_014646.2, NM_001375809.1).
Identifiers: ClinVar variation 667687 (VCV000667687.1), dbSNP rs8096970, ClinGen allele CA14543798.

ClinVar aggregate classification (germline): Benign (1 of 4 stars; one submission).

Allele frequency attached by ClinVar (database versions not stated): gnomAD 0.40168 and 0.40272; TOPMed 0.41807; 1000 Genomes Project 0.50619; 1000 Genomes Project 30x 0.50687.
gnomAD v4.1: 61,091 of 151,962 alleles (40%); highest among the groups gnomAD compares: African/African-American, 63%; 14,321 homozygotes.

Submission:

GeneDx
Classification: Benign. Last evaluated: 2018-06-14. Review status: criteria provided, single submitter. Criteria: GeneDx Variant Classification (06012015). Collection method: clinical testing. Allele origin: germline. Affected: yes.
Comment: This variant is considered likely benign or benign based on one or more of the following criteria: it is a conservative change, it occurs at a poorly conserved position in the protein, it is predicted to be benign by multiple in silico algorithms, and/or has population frequency not consistent with disease.